The following is an entry in ClinVar:

NM_001291415.2(KDM6A):c.3762A>C (p.Glu1254Asp)

Gene: KDM6A (lysine demethylase 6A; plus strand). Cytogenetic location: Xp11.3.
Variant type: single nucleotide variant.
Coding change: c.3762A>C on transcript NM_001291415.2 (MANE Select); coding-DNA position 3762, A replaced by C.
Protein change: p.Glu1254Asp; replaces glutamic acid 1254 with aspartic acid.
Molecular consequence: missense variant. On other transcripts: non-coding transcript variant (1).
Genome position (GRCh38, 1-based): chrX:45,089,800, A>C. VCF-style: chrX-45089800-A-C. GRCh37 (hg19) VCF-style: chrX-44949045-A-C.
Other names: c.3606A>C (NM_021140.2); c.3627A>C, p.Glu1209Asp (NM_001291416.2, NM_001419811.1); c.3471A>C, p.Glu1157Asp (NM_001291417.2); c.3369A>C, p.Glu1123Asp (NM_001291418.2, NM_001419815.1); c.2718A>C, p.Glu906Asp (NM_001291421.2); c.3504A>C, p.Glu1168Asp (NM_001410742.1, NM_001419814.1); c.3762A>C, p.Glu1254Asp (NM_001419809.1); c.3660A>C, p.Glu1220Asp (NM_001419810.1, NM_001419813.1); and 1 more; short protein forms E1157D, E1168D, E1220D, E1202D, E1123D, E1209D, E1254D, E906D.
Identifiers: ClinVar variation 2818320 (VCV002818320.4), dbSNP rs2148193015, ClinGen allele CA412806867.
Genomic context (GRCh38, chrX:45,089,800, plus strand): 5'-CAGAAATAATTTGAATTTCCTAATGGGTTCTTGGTGGCCCAATCTTGAAGATCTTTATGA[A>C]GCAAATGTTCCAGTGTATAGGTTTATTCAGCGACCTGGAGATTTGGTCTGGATAAATGCA-3'
Protein context (NP_001278344.1, residues 1244-1264): SWWPNLEDLY[Glu1254Asp]ANVPVYRFIQ

ClinVar aggregate classification (germline): Uncertain significance. Review status: criteria provided, multiple submitters, no conflicts (2 of 4 stars). 2 submissions from 2 submitters: Uncertain significance (2). Last evaluated 2025-08-07.

Conditions:
Kabuki syndrome 2 (KABUK2). Also called: KDM6A-Related Kabuki Syndrome. Identifiers: Orphanet 2322, MedGen C3275495, MONDO:0010465, OMIM 300867.

Submissions (2):

GeneDx
Classification: Uncertain significance. Last evaluated: 2025-08-07. Review status: criteria provided, single submitter. Criteria: GeneDx Variant Classification Process June 2021. Collection method: clinical testing. Allele origin: germline. Affected: yes.
Comment: Not observed at significant frequency in large population cohorts (gnomAD); In silico analysis suggests that this missense variant does not alter protein structure/function; Has not been previously published as pathogenic or benign to our knowledge

Labcorp Genetics (formerly Invitae), Labcorp
Classification: Uncertain significance for Kabuki syndrome 2. Last evaluated: 2022-12-03. Review status: criteria provided, single submitter. Criteria: Invitae Variant Classification Sherloc (09022015). Collection method: clinical testing. Allele origin: germline.
Comment: This variant is not present in population databases (gnomAD no frequency). In summary, the available evidence is currently insufficient to determine the role of this variant in disease. Therefore, it has been classified as a Variant of Uncertain Significance. Advanced modeling of protein sequence and biophysical properties (such as structural, functional, and spatial information, amino acid conservation, physicochemical variation, residue mobility, and thermodynamic stability) performed at Invitae indicates that this missense variant is not expected to disrupt KDM6A protein function. This variant has not been reported in the literature in individuals affected with KDM6A-related conditions. This sequence change replaces glutamic acid, which is acidic and polar, with aspartic acid, which is acidic and polar, at codon 1202 of the KDM6A protein (p.Glu1202Asp).